The following is an entry in ClinVar:

NM_003611.3(OFD1):c.2757+4dup

Gene: OFD1 (OFD1 centriole and centriolar satellite protein; plus strand). Cytogenetic location: Xp22.2.
Variant type: Duplication.
Coding change: c.2757+4dup on transcript NM_003611.3 (MANE Select); 4 bases into the intron after coding-DNA position 2757, one base duplicated (A; older notation c.2757+4dupA).
Molecular consequence: intron variant.
Genome position (GRCh38, 1-based): chrX:13,767,288, A duplicated; the last of 2 consecutive A bases (chrX:13,767,287-13,767,288); duplicating either gives the same sequence. VCF-style (leftmost placement, unchanged base first): chrX-13767286-T-TA. GRCh37 (hg19) VCF-style: chrX-13785405-T-TA.
Other names: c.2757+4dupA (NM_003611.2); c.2337+4dup (NM_001330210.2); c.2637+4dup (NM_001330209.2).
Identifiers: ClinVar variation 1022220 (VCV001022220.8), dbSNP rs2048165387, ClinGen allele CA2416374757.

ClinVar aggregate classification (germline): Uncertain significance. Review status: criteria provided, multiple submitters, no conflicts (2 of 4 stars). 2 submissions from 2 submitters: Uncertain significance (2). Last evaluated 2026-05-22.

Conditions:
Primary ciliary dyskinesia. Also called: Ciliary dyskinesia. Identifiers: Orphanet 244, MedGen C0008780, MONDO:0016575, HP:0012265.
Joubert syndrome. Also called: JOUBERT-BOLTSHAUSER SYNDROME; Familial aplasia of the vermis. Identifiers: Orphanet 475, MedGen C5979921, MONDO:0018772.
Orofaciodigital syndrome I (OFD1). Also called: Papillon-Leage and Psaume Syndrome; Oral-Facial-Digital Syndrome Type I; OFDS I. Identifiers: Orphanet 2750, MedGen C1510460, MONDO:0010702, OMIM 311200.

Submissions (2):

Ambry Genetics
Classification: Uncertain significance for Primary ciliary dyskinesia. Last evaluated: 2026-05-22. Review status: criteria provided, single submitter. Criteria: Ambry Variant Classification Scheme 2023. Collection method: clinical testing. Allele origin: germline.
Comment: The c.2757+4dupA intronic variant is located 4 nucleotides after exon 20 (coding exon 20) of the OFD1 gene. This variant consists of a duplication of one nucleotides at position c.2757+4. This variant was not reported in population-based cohorts in the Genome Aggregation Database (gnomAD). This nucleotide position is well conserved in available vertebrate species. In silico splice site analysis predicts that this alteration may result in the creation or strengthening of a novel splice donor site. Based on insufficient or conflicting evidence, the clinical significance of this alteration remains unclear.

Labcorp Genetics (formerly Invitae), Labcorp
Classification: Uncertain significance for Orofaciodigital syndrome I; Joubert syndrome. Last evaluated: 2022-04-12. Review status: criteria provided, single submitter. Criteria: Invitae Variant Classification Sherloc (09022015). Collection method: clinical testing. Allele origin: germline.
Comment: In summary, the available evidence is currently insufficient to determine the role of this variant in disease. Therefore, it has been classified as a Variant of Uncertain Significance. Variants that disrupt the consensus splice site are a relatively common cause of aberrant splicing (PMID: 17576681, 9536098). Algorithms developed to predict the effect of sequence changes on RNA splicing suggest that this variant may create or strengthen a splice site. ClinVar contains an entry for this variant (Variation ID: 1022220). This variant has not been reported in the literature in individuals affected with OFD1-related conditions. This variant is not present in population databases (gnomAD no frequency). This sequence change falls in intron 20 of the OFD1 gene. It does not directly change the encoded amino acid sequence of the OFD1 protein. It affects a nucleotide within the consensus splice site.

Literature cited by the submitters: PubMed 17576681 (cited by Labcorp Genetics (formerly Invitae), Labcorp); PubMed 9536098 (cited by Labcorp Genetics (formerly Invitae), Labcorp).